The following is an entry in ClinVar:

ClinVar aggregate classification (germline): Uncertain significance. Review status: criteria provided, multiple submitters, no conflicts (2 of 4 stars). 2 submissions from 2 submitters: Uncertain significance (2). Last evaluated 2025-12-26.

Conditions:
Familial thoracic aortic aneurysm and aortic dissection (TAAD). Also called: Thoracic aortic aneurysms and dissections. Identifiers: Orphanet 91387, MedGen C4707243, MONDO:0019625.
Aortic aneurysm, familial thoracic 7 (AAT7). Also called: AORTIC DISSECTION, FAMILIAL, WITH OR WITHOUT AORTIC ANEURYSM. Identifiers: MedGen C3151077, MONDO:0013418, OMIM 613780.

Allele frequency attached by ClinVar (database versions not stated): gnomAD 0.00004; 1000 Genomes Project 0.00020; 1000 Genomes Project 30x 0.00031.
gnomAD v4.1: 8 of 1,613,970 alleles (0.0005%); highest among the groups gnomAD compares: African/African-American, 0.011%; no homozygotes.

Submissions (2):

Labcorp Genetics (formerly Invitae), Labcorp
Classification: Uncertain significance for Aortic aneurysm, familial thoracic 7. Last evaluated: 2025-12-26. Review status: criteria provided, single submitter. Criteria: Invitae Variant Classification Sherloc (09022015). Collection method: clinical testing. Allele origin: germline.
Comment: This sequence change replaces glutamine, which is neutral and polar, with arginine, which is basic and polar, at codon 950 of the MYLK protein (p.Gln950Arg). This variant is present in population databases (rs200536833, gnomAD 0.02%). This variant has not been reported in the literature in individuals affected with MYLK-related conditions. ClinVar contains an entry for this variant (Variation ID: 1796798). Invitae Evidence Modeling of protein sequence and biophysical properties (such as structural, functional, and spatial information, amino acid conservation, physicochemical variation, residue mobility, and thermodynamic stability) indicates that this missense variant is not expected to disrupt MYLK protein function with a negative predictive value of 80%. In summary, the available evidence is currently insufficient to determine the role of this variant in disease. Therefore, it has been classified as a Variant of Uncertain Significance.

Ambry Genetics
Classification: Uncertain significance for Familial thoracic aortic aneurysm and aortic dissection. Last evaluated: 2021-08-10. Review status: criteria provided, single submitter. Criteria: Ambry Variant Classification Scheme 2023. Collection method: clinical testing. Allele origin: germline.
Comment: The p.Q950R variant (also known as c.2849A>G), located in coding exon 15 of the MYLK gene, results from an A to G substitution at nucleotide position 2849. The glutamine at codon 950 is replaced by arginine, an amino acid with highly similar properties. This amino acid position is conserved. In addition, the in silico prediction for this alteration is inconclusive. Since supporting evidence is limited at this time, the clinical significance of this alteration remains unclear.

NM_053025.4(MYLK):c.2849A>G (p.Gln950Arg)

Gene: MYLK (myosin light chain kinase; minus strand). Cytogenetic location: 3q21.1.
Variant type: single nucleotide variant.
Coding change: c.2849A>G on transcript NM_053025.4 (MANE Select); coding-DNA position 2849, A replaced by G.
Protein change: p.Gln950Arg; replaces glutamine 950 with arginine.
Molecular consequence: missense variant.
Genome position (GRCh38, 1-based): chr3:123,700,619, T>C on the plus strand (A>G on the coding strand, the complement: MYLK is on the minus strand). VCF-style: chr3-123700619-T-C. GRCh37 (hg19) VCF-style: chr3-123419466-T-C.
Other names: c.2321A>G, p.Gln774Arg (NM_001321309.2); c.2642A>G, p.Gln881Arg (NM_053026.4, NM_053028.4); c.2849A>G, p.Gln950Arg (NM_053027.4); short protein forms Q950R, Q774R, Q881R.
Identifiers: ClinVar variation 1796798 (VCV001796798.3), dbSNP rs200536833, ClinGen allele CA069085.